The following is an entry in ClinVar:

NM_000218.3(KCNQ1):c.904G>A (p.Ala302Thr)

Gene: KCNQ1 (potassium voltage-gated channel subfamily Q member 1; plus strand). Cytogenetic location: 11p15.5.
Variant type: single nucleotide variant.
Coding change: c.904G>A on transcript NM_000218.3 (MANE Select); coding-DNA position 904, G replaced by A.
Protein change: p.Ala302Thr; replaces alanine 302 with threonine.
Molecular consequence: missense variant.
Genome position (GRCh38, 1-based): chr11:2,572,969, G>A. VCF-style: chr11-2572969-G-A. GRCh37 (hg19) VCF-style: chr11-2594199-G-A.
Other names: c.904G>A (LRG_287t1); c.904G>A, p.Ala302Thr (NM_001406836.1); c.634G>A, p.Ala212Thr (NM_001406837.1); c.523G>A, p.Ala175Thr (NM_181798.2); short protein forms A302T, A175T, A212T.
Identifiers: ClinVar variation 53121 (VCV000053121.3), dbSNP rs199472739, ClinGen allele CA008575.

ClinVar aggregate classification (germline): not provided (0 of 4 stars; one submission).

Conditions:
Familial long QT syndrome (RWS). Also called: Congenital long QT syndrome; Romano-Ward syndrome; VENTRICULAR FIBRILLATION WITH PROLONGED QT INTERVAL. Identifiers: Orphanet 768, MedGen C1141890, MONDO:0019171.

Allele frequency attached by ClinVar (database versions not stated): gnomAD exomes below 0.00001.
gnomAD v4.1: 1 of 1,613,686 alleles (0.000062%); highest among the groups gnomAD compares: Non-Finnish European, 0.000085%; no homozygotes.

Submission:

Cardiovascular Biomedical Research Unit, Royal Brompton & Harefield NHS Foundation Trust
No classification provided. Condition: Familial long QT syndrome. Review status: no classification provided. Collection method: literature only. Allele origin: germline.
Comment: This variant has been reported as associated with Long QT syndrome in the following publications (PMID:16414944). This is a literature report, and does not necessarily reflect the clinical interpretation of the Imperial College / Royal Brompton Cardiovascular Genetics laboratory.

Literature cited by the submitters: PubMed 16414944; PubMed 22581653.